The following is an entry in ClinVar:

ClinVar aggregate classification (germline): Likely pathogenic (1 of 4 stars; one submission).

Conditions:
Myopathy, proximal, and ophthalmoplegia (CMYO6). Also called: MYOPATHY WITH CONGENITAL JOINT CONTRACTURES, OPHTHALMOPLEGIA, AND RIMMED VACUOLES; INCLUSION BODY MYOPATHY 3, AUTOSOMAL DOMINANT; CONGENITAL MYOPATHY 6 WITH OPHTHALMOPLEGIA. Identifiers: Orphanet 363677, Orphanet 79091, MedGen C1854106, MONDO:0011577, OMIM 605637.

Submission:

Labcorp Genetics (formerly Invitae), Labcorp
Classification: Likely pathogenic for Myopathy, proximal, and ophthalmoplegia. Last evaluated: 2026-01-22. Review status: criteria provided, single submitter. Criteria: Invitae Variant Classification Sherloc (09022015). Collection method: clinical testing. Allele origin: germline.
Comment: This sequence change affects an acceptor splice site in intron 14 of the MYH2 gene. It is expected to disrupt RNA splicing. Variants that disrupt the donor or acceptor splice site typically lead to a loss of protein function (PMID: 16199547), and loss-of-function variants in MYH2 are known to be pathogenic (PMID: 20418530, 23388406, 24193343). This variant is not present in population databases (gnomAD no frequency). This variant has not been reported in the literature in individuals affected with MYH2-related conditions. Algorithms developed to predict the effect of sequence changes on RNA splicing suggest that this variant may disrupt the consensus splice site. In summary, the currently available evidence indicates that the variant is pathogenic, but additional data are needed to prove that conclusively. Therefore, this variant has been classified as Likely Pathogenic.

Literature cited by the submitters: PubMed 16199547; PubMed 20418530; PubMed 23388406; PubMed 24193343.

NM_017534.6(MYH2):c.1417-1G>T

Genes: MYH2 (myosin heavy chain 2; minus strand), MYHAS (myosin heavy chain gene cluster antisense RNA; plus strand). Cytogenetic location: 17p13.1.
Variant type: single nucleotide variant.
Coding change: c.1417-1G>T on transcript NM_017534.6 (MANE Select); the canonical splice acceptor site of the intron before coding-DNA position 1417, G replaced by T.
Molecular consequence: splice acceptor variant.
Genome position (GRCh38, 1-based): chr17:10,537,836, C>A on the plus strand (G>T on the coding strand, the complement: MYH2 is on the minus strand). VCF-style: chr17-10537836-C-A. GRCh37 (hg19) VCF-style: chr17-10441153-C-A.
Other names: c.1417-1G>T (NM_001100112.2).
Identifiers: ClinVar variation 4811230 (VCV004811230.1).